The following is an entry in ClinVar:

NM_013339.4(ALG6):c.346+5A>G

Gene: ALG6 (ALG6 alpha-1,3-glucosyltransferase; plus strand). Cytogenetic location: 1p31.3.
Variant type: single nucleotide variant.
Coding change: c.346+5A>G on transcript NM_013339.4 (MANE Select); 5 bases into the intron after coding-DNA position 346, A replaced by G.
Molecular consequence: intron variant.
Genome position (GRCh38, 1-based): chr1:63,404,546, A>G. VCF-style: chr1-63404546-A-G. GRCh37 (hg19) VCF-style: chr1-63870217-A-G.
Identifiers: ClinVar variation 2148381 (VCV002148381.3), dbSNP rs1362437910, ClinGen allele CA737735563.

ClinVar aggregate classification (germline): Uncertain significance (1 of 4 stars; one submission).

Conditions:
ALG6-congenital disorder of glycosylation 1C (CDG1C). Also called: Congenital disorder of glycosylation, type Ic; CDG Ic; CARBOHYDRATE-DEFICIENT GLYCOPROTEIN SYNDROME, TYPE I, WITH DEFICIENT GLYCOSYLATION OF DOLICHOL-LINKED OLIGOSACCHARIDE; CARBOHYDRATE-DEFICIENT GLYCOPROTEIN SYNDROME, TYPE V; Congenital disorder of glycosylation type 1C. Identifiers: Orphanet 79320, MedGen C2930997, MONDO:0011291, OMIM 603147.

Allele frequency attached by ClinVar (database versions not stated): gnomAD exomes below 0.00001; gnomAD 0.00001; TOPMed 0.00001.
gnomAD v4.1: 3 of 1,611,902 alleles (0.00019%); highest among the groups gnomAD compares: Admixed American, 0.0033%; no homozygotes.

Submission:

Labcorp Genetics (formerly Invitae), Labcorp
Classification: Uncertain significance for ALG6-congenital disorder of glycosylation 1C. Last evaluated: 2026-01-19. Review status: criteria provided, single submitter. Criteria: Invitae Variant Classification Sherloc (09022015). Collection method: clinical testing. Allele origin: germline.
Comment: This sequence change falls in intron 5 of the ALG6 gene. It does not directly change the encoded amino acid sequence of the ALG6 protein. It affects a nucleotide within the consensus splice site. This variant is not present in population databases (gnomAD no frequency). This variant has not been reported in the literature in individuals affected with ALG6-related conditions. ClinVar contains an entry for this variant (Variation ID: 2148381). Variants that disrupt the consensus splice site are a relatively common cause of aberrant splicing (PMID: 17576681, 9536098). Algorithms developed to predict the effect of sequence changes on RNA splicing suggest that this variant is not likely to affect RNA splicing. In summary, the available evidence is currently insufficient to determine the role of this variant in disease. Therefore, it has been classified as a Variant of Uncertain Significance.

Literature cited by the submitters: PubMed 17576681; PubMed 9536098.